The following is an entry in ClinVar:

ClinVar aggregate classification (germline): Uncertain significance (1 of 4 stars; one submission).

gnomAD v4.1: 68 of 1,613,866 alleles (0.0042%); highest among the groups gnomAD compares: East Asian, 0.15%; no homozygotes.

Submission:

Labcorp Genetics (formerly Invitae), Labcorp
Classification: Uncertain significance. Last evaluated: 2021-10-13. Review status: criteria provided, single submitter. Criteria: Invitae Variant Classification Sherloc (09022015). Collection method: clinical testing. Allele origin: germline.
Comment: This sequence change replaces alanine with glycine at codon 1495 of the LAMA3 protein (p.Ala1495Gly). The alanine residue is weakly conserved and there is a small physicochemical difference between alanine and glycine. This variant is present in population databases (rs571009750, ExAC 0.06%). This variant has not been reported in the literature in individuals affected with LAMA3-related conditions. Algorithms developed to predict the effect of missense changes on protein structure and function output the following: SIFT: "Tolerated"; PolyPhen-2: "Benign"; Align-GVGD: "Class C0". The glycine amino acid residue is found in multiple mammalian species, which suggests that this missense change does not adversely affect protein function. This variant disrupts the p.Ala1495 amino acid residue in LAMA3. Other variant(s) that disrupt this residue have been determined to be pathogenic (PMID: 22434185, 27827380). This suggests that this residue is clinically significant, and that variants that disrupt this residue are likely to be disease-causing. In summary, the available evidence is currently insufficient to determine the role of this variant in disease. Therefore, it has been classified as a Variant of Uncertain Significance.

Literature cited by the submitters: PubMed 22434185; PubMed 27827380.

NM_198129.4(LAMA3):c.9311C>G (p.Ala3104Gly)

Gene: LAMA3 (laminin subunit alpha 3; plus strand). Cytogenetic location: 18q11.2.
Variant type: single nucleotide variant.
Coding change: c.9311C>G on transcript NM_198129.4 (MANE Select); coding-DNA position 9311, C replaced by G.
Protein change: p.Ala3104Gly; replaces alanine 3104 with glycine.
Molecular consequence: missense variant.
Genome position (GRCh38, 1-based): chr18:23,946,244, C>G. VCF-style: chr18-23946244-C-G. GRCh37 (hg19) VCF-style: chr18-21526208-C-G.
Other names: c.4484C>G, p.Ala1495Gly (NM_000227.6); c.9143C>G, p.Ala3048Gly (NM_001127717.4); c.4316C>G, p.Ala1439Gly (NM_001127718.4); short protein forms A1495G, A3104G, A1439G, A3048G.
Identifiers: ClinVar variation 2153885 (VCV002153885.1), dbSNP rs571009750, ClinGen allele CA8917151.